The following is an entry in ClinVar:

ClinVar aggregate classification (germline): Uncertain significance (1 of 4 stars; one submission).

Conditions:
Developmental and epileptic encephalopathy, 42 (DEE42A). Also called: DEVELOPMENTAL AND EPILEPTIC ENCEPHALOPATHY 42A; EPILEPTIC ENCEPHALOPATHY, EARLY INFANTILE, 42A; Epileptic encephalopathy, early infantile, 42. Identifiers: MedGen C4310716, MONDO:0014917, OMIM 617106.

Submission:

Institute of Human Genetics, University of Leipzig Medical Center
Classification: Uncertain significance for Developmental and epileptic encephalopathy, 42. Last evaluated: 2026-06-09. Review status: criteria provided, single submitter. Criteria: ACMG Guidelines, 2015. Collection method: clinical testing. Allele origin: paternal. Inheritance: Autosomal dominant inheritance. Affected: yes.
Comment: Criteria applied: PM1_SUP,PM2,PP2,PP3

NM_001127222.2(CACNA1A):c.1025C>G (p.Pro342Arg)

Genes: CACNA1A (calcium voltage-gated channel subunit alpha1 A; minus strand), LOC126862866 (MED14-independent group 3 enhancer GRCh37_chr19:13445719-13446918; plus strand). Cytogenetic location: 19p13.13.
Variant type: single nucleotide variant.
Coding change: c.1025C>G on transcript NM_001127222.2 (MANE Select); coding-DNA position 1025, C replaced by G.
Protein change: p.Pro342Arg; replaces proline 342 with arginine.
Molecular consequence: missense variant.
Genome position (GRCh38, 1-based): chr19:13,335,863, G>C on the plus strand (C>G on the coding strand, the complement: CACNA1A is on the minus strand). VCF-style: chr19-13335863-G-C. GRCh37 (hg19) VCF-style: chr19-13446677-G-C.
Other names: c.1025C>G, p.Pro342Arg (NM_000068.4, NM_001127221.2, NM_001174080.2 and 1 more transcripts); short protein forms P342R.
Identifiers: ClinVar variation 3359119 (VCV003359119.3).